The following is an entry in ClinVar:

NM_006393.3(NEBL):c.1403C>T (p.Thr468Ile)

Gene: NEBL (nebulette; minus strand). Cytogenetic location: 10p12.31.
Variant type: single nucleotide variant.
Coding change: c.1403C>T on transcript NM_006393.3 (MANE Select); coding-DNA position 1403, C replaced by T.
Protein change: p.Thr468Ile; replaces threonine 468 with isoleucine.
Molecular consequence: missense variant. On other transcripts: intron variant (9).
Genome position (GRCh38, 1-based): chr10:20,835,559, G>A on the plus strand (C>T on the coding strand, the complement: NEBL is on the minus strand). VCF-style: chr10-20835559-G-A. GRCh37 (hg19) VCF-style: chr10-21124488-G-A.
Other names: c.250-22619C>T (NM_001377326.1, NM_001377327.1, NM_001377328.1); c.358-22619C>T (NM_213569.2, NM_001173484.2, NM_001377322.1); c.301-22619C>T (NM_001377324.1); c.292-22619C>T (NM_001377325.1); c.310-22619C>T (NM_001377323.1); short protein forms T468I.
Identifiers: ClinVar variation 3225554 (VCV003225554.1), dbSNP rs745497796, ClinGen allele CA5432882.
Genomic context (GRCh38, chr10:20,835,559, plus strand): 5'-CGCACCCTACTAACCTCACTCGCTATCTCTGCAGCCTTCTTGGCATGCTGCATTTCAAGG[G>A]TGTCAGTGCCAGCTTGCATTCCTTTCCCTTTAATTATTGACTCCAGGTCTTTCTTGTATT-3'
Protein context (NP_006384.1, residues 458-478): KGKGMQAGTD[Thr468Ile]LEMQHAKKAA

ClinVar aggregate classification (germline): Uncertain significance (1 of 4 stars; one submission).

Allele frequency attached by ClinVar (database versions not stated): ExAC 0.00001.
gnomAD v4.1: 3 of 1,612,740 alleles (0.00019%); highest among the groups gnomAD compares: South Asian, 0.0022%; no homozygotes.

Submission:

Ambry Genetics
Classification: Uncertain significance. Last evaluated: 2024-02-09. Review status: criteria provided, single submitter. Criteria: Ambry Variant Classification Scheme 2023. Collection method: clinical testing. Allele origin: germline.
Comment: The p.T468I variant (also known as c.1403C>T), located in coding exon 14 of the NEBL gene, results from a C to T substitution at nucleotide position 1403. The threonine at codon 468 is replaced by isoleucine, an amino acid with similar properties. This amino acid position is conserved. In addition, this alteration is predicted to be tolerated by in silico analysis. Based on the available evidence, the clinical significance of this alteration remains unclear.